The following is an entry in ClinVar:

NM_153252.5(BRWD3):c.*1592G>C

Gene: BRWD3 (bromodomain and WD repeat domain containing 3; minus strand). Cytogenetic location: Xq21.1.
Variant type: single nucleotide variant.
Coding change: c.*1592G>C on transcript NM_153252.5 (MANE Select); 1592 bases downstream of the stop codon, G replaced by C.
Molecular consequence: 3 prime UTR variant.
Genome position (GRCh38, 1-based): chrX:80,675,017, C>G on the plus strand (G>C on the coding strand, the complement: BRWD3 is on the minus strand). VCF-style: chrX-80675017-C-G. GRCh37 (hg19) VCF-style: chrX-79930516-C-G.
Identifiers: ClinVar variation 368716 (VCV000368716.5), dbSNP rs180892443, ClinGen allele CA10652073.

ClinVar aggregate classification (germline): Benign (1 of 4 stars; one submission).

Conditions:
Intellectual developmental disorder, X-linked 93. Also called: MENTAL RETARDATION, X-LINKED, WITH MACROCEPHALY; Intellectual disability, X-linked 93. Identifiers: MedGen C1970841, MONDO:0010393, OMIM 300659.

Allele frequency attached by ClinVar (database versions not stated): 1000 Genomes Project 0.00795; gnomAD 0.00686 and 0.00718; TOPMed 0.00769; 1000 Genomes Project 30x 0.00812.

Submission:

Illumina Laboratory Services, Illumina
Classification: Benign for Intellectual developmental disorder, X-linked 93. Last evaluated: 2018-01-13. Review status: criteria provided, single submitter. Criteria: ICSL Variant Classification Criteria 13 December 2019. Collection method: clinical testing. Allele origin: germline.
Comment: This variant was observed in the ICSL laboratory as part of a predisposition screen in an ostensibly healthy population. It had not been previously curated by ICSL or reported in the Human Gene Mutation Database (HGMD: prior to June 1st, 2018), and was therefore a candidate for classification through an automated scoring system. Utilizing variant allele frequency, disease prevalence and penetrance estimates, and inheritance mode, an automated score was calculated to assess if this variant is too frequent to cause the disease. Based on the score and internal cut-off values, a variant classified as benign is not then subjected to further curation. The score for this variant resulted in a classification of benign for this disease.